The following is an entry in ClinVar:

NM_006079.5(CITED2):c.104G>C (p.Ser35Thr)

Gene: CITED2 (Cbp/p300 interacting transactivator with Glu/Asp rich carboxy-terminal domain 2; minus strand). Cytogenetic location: 6q24.1.
Variant type: single nucleotide variant.
Coding change: c.104G>C on transcript NM_006079.5 (MANE Select); coding-DNA position 104, G replaced by C.
Protein change: p.Ser35Thr; replaces serine 35 with threonine.
Molecular consequence: missense variant.
Genome position (GRCh38, 1-based): chr6:139,373,841, C>G on the plus strand (G>C on the coding strand, the complement: CITED2 is on the minus strand). VCF-style: chr6-139373841-C-G. GRCh37 (hg19) VCF-style: chr6-139694978-C-G.
Other names: c.104G>C, p.Ser35Thr (NM_001168388.3); c.119G>C, p.Ser40Thr (NM_001168389.3); short protein forms S35T, S40T.
Identifiers: ClinVar variation 3361648 (VCV003361648.1).
Genomic context (GRCh38, chr6:139,373,841, plus strand): 5'-TGCTCGCCCATTAGGGCGTTGAAGGCGTGCTGGGGCTGCTGCTGCTGGTGGTGATGGGGG[C>G]TCGGGAACTGCCCCATGCCCATGCGGTGGGCAGGGTGATGGTGCAGCCCATTGGTGCCGT-3'
Protein context (NP_006070.2, residues 25-45): AHRMGMGQFP[Ser35Thr]PHHHQQQQPQ

ClinVar aggregate classification (germline): Uncertain significance (1 of 4 stars; one submission).

gnomAD v4.1: 4 of 1,605,880 alleles (0.00025%); highest among the groups gnomAD compares: Non-Finnish European, 0.00034%; no homozygotes.

Submission:

GeneDx
Classification: Uncertain significance. Last evaluated: 2023-07-25. Review status: criteria provided, single submitter. Criteria: GeneDx Variant Classification Process June 2021. Collection method: clinical testing. Allele origin: germline. Affected: yes.
Comment: Not observed at significant frequency in large population cohorts (gnomAD); In silico analysis supports that this missense variant does not alter protein structure/function; Has not been previously published as pathogenic or benign to our knowledge